The following is an entry in ClinVar:

ClinVar aggregate classification (germline): Pathogenic. Review status: criteria provided, multiple submitters, no conflicts (2 of 4 stars). 2 submissions from 2 submitters: Pathogenic (2). Last evaluated 2024-02-18.

Conditions:
Ellis-van Creveld syndrome (EVC). Also called: MESOECTODERMAL DYSPLASIA; Chondroectodermal dysplasia. Identifiers: Orphanet 289, MedGen C0013903, MONDO:0009162, OMIM 225500.
Curry-Hall syndrome (WAD). Also called: WEYERS ACRODENTAL DYSOSTOSIS. Identifiers: Orphanet 952, MedGen C0457013, MONDO:0008673, OMIM 193530.

Submissions (2):

Myriad Genetics, Inc.
Classification: Pathogenic for Ellis-van Creveld syndrome. Last evaluated: 2024-02-18. Review status: criteria provided, single submitter. Criteria: Myriad Autosomal Dominant, Autosomal Recessive and X-Linked Classification Criteria (2023). Collection method: clinical testing. Allele origin: unknown.
Comment: NM_153717.2(EVC):c.1084G>T(E362*) is expected to be pathogenic in the context of EVC-related Ellis-van Creveld syndrome. This variant is predicted to lead to an abnormal or absent protein product due to the creation of a premature termination codon in EVC, a gene where loss-of-function variants are known to be pathogenic. Please note: this variant was assessed in the context of healthy population screening.

Labcorp Genetics (formerly Invitae), Labcorp
Classification: Pathogenic for Curry-Hall syndrome; Ellis-van Creveld syndrome. Last evaluated: 2023-02-13. Review status: criteria provided, single submitter. Criteria: Invitae Variant Classification Sherloc (09022015). Collection method: clinical testing. Allele origin: germline.
Comment: This variant has not been reported in the literature in individuals affected with EVC-related conditions. This variant is not present in population databases (gnomAD no frequency). This sequence change creates a premature translational stop signal (p.Glu362*) in the EVC gene. It is expected to result in an absent or disrupted protein product. Loss-of-function variants in EVC are known to be pathogenic (PMID: 23220543). For these reasons, this variant has been classified as Pathogenic.

Literature cited by the submitters: PubMed 23220543 (cited by Labcorp Genetics (formerly Invitae), Labcorp).

NM_153717.3(EVC):c.1084G>T (p.Glu362Ter)

Gene: EVC (EvC ciliary complex subunit 1; plus strand). Cytogenetic location: 4p16.2.
Variant type: single nucleotide variant.
Coding change: c.1084G>T on transcript NM_153717.3 (MANE Select); coding-DNA position 1084, G replaced by T.
Protein change: p.Glu362Ter; replaces glutamic acid 362 with a stop codon.
Molecular consequence: nonsense.
Genome position (GRCh38, 1-based): chr4:5,748,292, G>T. VCF-style: chr4-5748292-G-T. GRCh37 (hg19) VCF-style: chr4-5750019-G-T.
Other names: c.1084G>T, p.Glu362Ter (NM_001306090.2, NM_001306092.2); short protein forms E362*.
Identifiers: ClinVar variation 2107235 (VCV002107235.5), dbSNP rs1560329339, ClinGen allele CA356151927.